The following is an entry in ClinVar:

ClinVar aggregate classification (germline): Uncertain significance (1 of 4 stars; one submission).

Submission:

GeneDx
Classification: Uncertain significance. Last evaluated: 2023-09-11. Review status: criteria provided, single submitter. Criteria: GeneDx Variant Classification Process June 2021. Collection method: clinical testing. Allele origin: germline. Affected: yes.
Comment: Not observed at significant frequency in large population cohorts (gnomAD); In silico analysis supports that this missense variant has a deleterious effect on protein structure/function; Has not been previously published as pathogenic or benign to our knowledge

NM_001282534.2(KCNK9):c.550T>G (p.Trp184Gly)

Gene: KCNK9 (potassium two pore domain channel subfamily K member 9; minus strand). Cytogenetic location: 8q24.3.
Variant type: single nucleotide variant.
Coding change: c.550T>G on transcript NM_001282534.2 (MANE Select); coding-DNA position 550, T replaced by G.
Protein change: p.Trp184Gly; replaces tryptophan 184 with glycine.
Molecular consequence: missense variant. On other transcripts: non-coding transcript variant (1).
Genome position (GRCh38, 1-based): chr8:139,618,833, A>C on the plus strand (T>G on the coding strand, the complement: KCNK9 is on the minus strand). VCF-style: chr8-139618833-A-C. GRCh37 (hg19) VCF-style: chr8-140631076-A-C.
Other names: c.550T>G, p.Trp184Gly (NM_016601.2); short protein forms W184G.
Identifiers: ClinVar variation 2579312 (VCV002579312.1), dbSNP rs1586633211, ClinGen allele CA372734379.
Genomic context (GRCh38, chr8:139,618,833, plus strand): 5'-CCCCGAACCCAATGGTAGTCAACGTGATGAAGCAGTAGTAGTAGGCGTGGAAGAAGCTCC[A>C]CTCCTCACACTGGGAGAAGGCGGCCGCCCCGATGCACAGCGTCCCCATGCAGGAGAAGAA-3'
Protein context (NP_001269463.1, residues 174-194): GAAAFSQCEE[Trp184Gly]SFFHAYYYCF